The following is an entry in ClinVar:

ClinVar aggregate classification (germline): Uncertain significance (0 of 4 stars; one submission).

Conditions:
Alzheimer disease type 1 (AD1). Also called: ALZHEIMER DISEASE, FAMILIAL, 1; ALZHEIMER DISEASE, FAMILIAL, 1, AUTOSOMAL RECESSIVE. Identifiers: MedGen C1863052, MONDO:0007088, OMIM 104300.

gnomAD v4.1: 1 of 1,614,140 alleles (0.000062%); highest among the groups gnomAD compares: Non-Finnish European, 0.000085%; no homozygotes.

Submission:

Medical Genetics Unit, Mauro Baschirotto Institute for Rare Disease
Classification: Uncertain significance for Alzheimer disease type 1. Last evaluated: 2026-04-20. Review status: no assertion criteria provided. Collection method: clinical testing. Allele origin: germline. Affected: yes. Observed: 1 variant allele.
Comment: This variant was interpreted by the AD-FTD Italian Consortium, including the following participating institutions: Mauro Baschirotto Institute for Rare Disease, Medical Genetics Unit (Dr Paola de Gemmis, Dr Daniela Segat, Dr Chiara Stefani); Neurology Unit, Department of Biomedicine, Neurosciences and Advanced Diagnostics, University of Palermo, Italy (Dr Tommaso Piccoli); Neurology Unit, Santa Maria della Misericordia Hospital, Perugia, Italy (Dr Lorenzo Gaetani). The participating laboratories jointly contributed to patient recruitment, clinical data collection, and variant interpretation and classification. The variant c.127A>G;p.Met43Val in the APP gene results in a missense substitution of methionine by valine at codon 43 of the encoded protein. This change involves two hydrophobic amino acids with similar physicochemical properties and occurs within the N‑terminal region of the protein. The APP gene encodes the amyloid precursor protein, a type I transmembrane glycoprotein that undergoes complex proteolytic processing by several secretases. Alternative proteolytic pathways generate either non-amyloidogenic fragments or amyloidogenic peptides, including amyloid‑β peptides of varying length. These peptides can aggregate and are central components of amyloid plaques in Alzheimer‑type neuropathology. APP and its proteolytic fragments are involved in neuronal development, synaptic function, cell adhesion, neurite outgrowth, and intracellular signaling. The gene is expressed in many tissues, with particularly high expression in the central nervous system, and dosage alterations or specific pathogenic variants in APP are established causes of autosomal dominant forms of early‑onset Alzheimer disease and cerebral amyloid angiopathy. According to available annotation, the c.127A>G (p.Met43Val) variant in APP is a missense variant located in exon 2 of the gene. It has been reported in the general population with a gnomAD frequency of 0.000068%, with no homozygous individuals observed. Computational prediction scores include: SIFT prediction (uncertain, score 0.002), FATHMM prediction (uncertain, score -3.97) and REVEL (deleterious moderate, score 0.89). Taken together all of these data suggest an uncertain significance classification for this variant.

NM_000484.4(APP):c.127A>G (p.Met43Val)

Gene: APP (amyloid beta precursor protein; minus strand). Cytogenetic location: 21q21.3.
Variant type: single nucleotide variant.
Coding change: c.127A>G on transcript NM_000484.4 (MANE Select); coding-DNA position 127, A replaced by G.
Protein change: p.Met43Val; replaces methionine 43 with valine.
Molecular consequence: missense variant. On other transcripts: intron variant (2).
Genome position (GRCh38, 1-based): chr21:26,112,077, T>C on the plus strand (A>G on the coding strand, the complement: APP is on the minus strand). VCF-style: chr21-26112077-T-C. GRCh37 (hg19) VCF-style: chr21-27484394-T-C.
Other names: c.112A>G, p.Met38Val (NM_001136016.3); c.22A>G, p.Met8Val (NM_001136131.3); c.127A>G, p.Met43Val (NM_001204301.2, NM_001204302.2, NM_001204303.2 and 3 more transcripts); c.58-22005A>G (NM_001136129.3, NM_001136130.3); short protein forms M38V, M43V, M8V.
Identifiers: ClinVar variation 4849946 (VCV004849946.1).